The following is an entry in ClinVar:

ClinVar aggregate classification (germline): Uncertain significance (1 of 4 stars; one submission).

gnomAD v4.1: 1 of 1,588,598 alleles (0.000063%); highest among the groups gnomAD compares: Non-Finnish European, 0.000086%; no homozygotes.

Submission:

Ambry Genetics
Classification: Uncertain significance. Last evaluated: 2021-12-10. Review status: criteria provided, single submitter. Criteria: Ambry Variant Classification Scheme 2023. Collection method: clinical testing. Allele origin: germline.
Comment: The p.G93W variant (also known as c.277G>T), located in coding exon 3 of the BUB3 gene, results from a G to T substitution at nucleotide position 277. The glycine at codon 93 is replaced by tryptophan, an amino acid with highly dissimilar properties. This amino acid position is conserved. In addition, this alteration is predicted to be deleterious by in silico analysis. Since supporting evidence is limited at this time, the clinical significance of this alteration remains unclear.

NM_004725.4(BUB3):c.277G>T (p.Gly93Trp)

Gene: BUB3 (BUB3 mitotic checkpoint protein; plus strand). Cytogenetic location: 10q26.13.
Variant type: single nucleotide variant.
Coding change: c.277G>T on transcript NM_004725.4 (MANE Select); coding-DNA position 277, G replaced by T.
Protein change: p.Gly93Trp; replaces glycine 93 with tryptophan.
Molecular consequence: missense variant.
Genome position (GRCh38, 1-based): chr10:123,157,740, G>T. VCF-style: chr10-123157740-G-T. GRCh37 (hg19) VCF-style: chr10-124917256-G-T.
Other names: c.277G>T, p.Gly93Trp (NM_001007793.3); short protein forms G93W.
Identifiers: ClinVar variation 1795911 (VCV001795911.2), dbSNP rs2493759760, ClinGen allele CA378625353.